The following is an entry in ClinVar:

NM_001267550.2(TTN):c.35110A>G (p.Lys11704Glu)

Gene: TTN (titin; minus strand). Cytogenetic location: 2q31.2.
Variant type: single nucleotide variant.
Coding change: c.35110A>G on transcript NM_001267550.2 (MANE Select); coding-DNA position 35110, A replaced by G.
Protein change: p.Lys11704Glu; replaces lysine 11704 with glutamic acid.
Molecular consequence: missense variant. On other transcripts: intron variant (3).
Genome position (GRCh38, 1-based): chr2:178,672,088, T>C on the plus strand (A>G on the coding strand, the complement: TTN is on the minus strand). VCF-style: chr2-178672088-T-C. GRCh37 (hg19) VCF-style: chr2-179536815-T-C.
Other names: c.33988A>G, p.Lys11330Glu (NM_001256850.1); c.31207A>G, p.Lys10403Glu (NM_133378.4); c.13283-29771A>G (NM_003319.4); c.13859-29771A>G (NM_133437.4); c.13658-29771A>G (NM_133432.3); short protein forms K10403E, K11704E, K11330E.
Identifiers: ClinVar variation 191990 (VCV000191990.1), dbSNP rs201275291, ClinGen allele CA238039.

ClinVar aggregate classification (germline): Uncertain significance (1 of 4 stars; one submission).

Allele frequency attached by ClinVar (database versions not stated): gnomAD exomes below 0.00001 and 0.00001; gnomAD 0.00001; TOPMed 0.00001.
gnomAD v4.1: 18 of 1,612,178 alleles (0.0011%); highest among the groups gnomAD compares: Non-Finnish European, 0.0015%; no homozygotes.

Submission:

Biesecker Lab/Clinical Genomics Section, National Institutes of Health
Classification: Uncertain significance. Last evaluated: 2013-06-24. Review status: criteria provided, single submitter. Criteria: Ng et al. (Circ Cardiovasc Genet. 2013). Collection method: research. Allele origin: unknown. Observed: 1 variant allele. Study: ClinSeq.
Comment: The study set was not selected for affection status in relation to any cancer. Pathogenicity categories were based on literature curation. See Pubmed ID:23861362 for details.

Medical sequencing